The following is an entry in ClinVar:

ClinVar aggregate classification (germline): Likely pathogenic (1 of 4 stars; one submission).

Conditions:
Stickler syndrome type 2 (STL2). Also called: STICKLER SYNDROME, TYPE II; STICKLER SYNDROME, BEADED VITREOUS TYPE; STICKLER SYNDROME, VITREOUS TYPE 2; COL11A1-Related Stickler Syndrome. Identifiers: Orphanet 828, Orphanet 90654, MedGen C1858084, MONDO:0011493, OMIM 604841.
Hearing loss, autosomal dominant 37. Also called: DEAFNESS, AUTOSOMAL DOMINANT 37. Identifiers: MedGen C4760307, MONDO:0032802, OMIM 618533.
Marshall syndrome (MRSHS). Identifiers: Orphanet 560, MedGen C0265235, MONDO:0007949, OMIM 154780.

Submission:

Molecular Genetics Department, Kulakov National Medical Research Center for Obstetrics, Gynecology and Perinatology
Classification: Likely pathogenic for Marshall syndrome; Stickler syndrome type 2; Hearing loss, autosomal dominant 37. Review status: criteria provided, single submitter. Criteria: ACMG Guidelines, 2015. Collection method: clinical testing. Allele origin: germline. Affected: yes. Observed: 1 variant allele.
Comment: A previously undescribed heterozygous nucleotide variant creates a premature translation stop signal p.Glu647Ter in the COL11A1 gene. Heterozygous variants are reported in patients with deafness, autosomal dominant 37, 618533; Marshall syndrome, 154780; Stickler syndrome, type iI, 604841. The variant is not present in population database (gnomAD no frequency). In summary, the currently available evidence indicates that the variant is pathogenic, but additional data are needed to prove that conclusively. Therefore, this variant has been classified as likely pathogenic.

NM_001854.4(COL11A1):c.1939G>T (p.Glu647Ter)

Gene: COL11A1 (collagen type XI alpha 1 chain; minus strand). Cytogenetic location: 1p21.1.
Variant type: single nucleotide variant.
Coding change: c.1939G>T on transcript NM_001854.4 (MANE Select); coding-DNA position 1939, G replaced by T.
Protein change: p.Glu647Ter; replaces glutamic acid 647 with a stop codon.
Molecular consequence: nonsense. On other transcripts: non-coding transcript variant (1).
Genome position (GRCh38, 1-based): chr1:103,004,449, C>A on the plus strand (G>T on the coding strand, the complement: COL11A1 is on the minus strand). VCF-style: chr1-103004449-C-A. GRCh37 (hg19) VCF-style: chr1-103470005-C-A.
Other names: c.1822G>T, p.Glu608Ter (NM_001190709.2); c.1975G>T, p.Glu659Ter (NM_080629.3); c.1591G>T, p.Glu531Ter (NM_080630.4); short protein forms E531*, E608*, E647*, E659*.
Identifiers: ClinVar variation 4294470 (VCV004294470.1).
Genomic context (GRCh38, chr1:103,004,449, plus strand): 5'-TCACTAGTCCTAAAAACTAGAAATATTACTTAAAAATAAAAAGTAAGTTGCTTACAGCTT[C>A]ACCTGGAAGACCTCTTGGTCCAATTTCTCCATCTTCTCCCTGTCATTGACAAAATGAATG-3'